The following is an entry in ClinVar:

NM_002519.3(NPAT):c.3592G>A (p.Glu1198Lys)

Gene: NPAT (nuclear protein, coactivator of histone transcription; minus strand). Cytogenetic location: 11q22.3.
Variant type: single nucleotide variant.
Coding change: c.3592G>A on transcript NM_002519.3 (MANE Select); coding-DNA position 3592, G replaced by A.
Protein change: p.Glu1198Lys; replaces glutamic acid 1198 with lysine.
Molecular consequence: missense variant.
Genome position (GRCh38, 1-based): chr11:108,161,494, C>T on the plus strand (G>A on the coding strand, the complement: NPAT is on the minus strand). VCF-style: chr11-108161494-C-T. GRCh37 (hg19) VCF-style: chr11-108032221-C-T.
Other names: c.3613G>A, p.Glu1205Lys (NM_001321307.1); short protein forms E1198K, E1205K.
Identifiers: ClinVar variation 1732997 (VCV001732997.2), dbSNP rs2496695426, ClinGen allele CA382510468.

ClinVar aggregate classification (germline): Uncertain significance (1 of 4 stars; one submission).

Allele frequency attached by ClinVar (database versions not stated): gnomAD exomes below 0.00001.
gnomAD v4.1: 2 of 1,614,182 alleles (0.00012%); highest among the groups gnomAD compares: Non-Finnish European, 0.00017%; no homozygotes.

Submission:

Ambry Genetics
Classification: Uncertain significance. Last evaluated: 2022-04-08. Review status: criteria provided, single submitter. Criteria: Ambry Variant Classification Scheme 2023. Collection method: clinical testing. Allele origin: germline.
Comment: The p.E1198K variant (also known as c.3592G>A), located in coding exon 17 of the NPAT gene, results from a G to A substitution at nucleotide position 3592. The glutamic acid at codon 1198 is replaced by lysine, an amino acid with similar properties. This amino acid position is conserved. In addition, this alteration is predicted to be tolerated by in silico analysis. Since supporting evidence is limited at this time, the clinical significance of this alteration remains unclear.